The following is an entry in ClinVar:

ClinVar aggregate classification (germline): Uncertain significance (1 of 4 stars; one submission).

Conditions:
Neuromuscular disease caused by qualitative or quantitative defects of dysferlin. Also called: Qualitative or quantitative defects of dysferlin; Dysferlinopathy. Identifiers: Orphanet 207073, MedGen C2931687, MONDO:0016145.

gnomAD v4.1: 15 of 1,614,084 alleles (0.00093%); highest among the groups gnomAD compares: Non-Finnish European, 0.0013%; no homozygotes.

Submission:

Labcorp Genetics (formerly Invitae), Labcorp
Classification: Uncertain significance for Neuromuscular disease caused by qualitative or quantitative defects of dysferlin. Last evaluated: 2021-09-01. Review status: criteria provided, single submitter. Criteria: Invitae Variant Classification Sherloc (09022015). Collection method: clinical testing. Allele origin: germline.
Comment: This sequence change replaces valine with methionine at codon 68 of the DYSF protein (p.Val68Met). The valine residue is moderately conserved and there is a small physicochemical difference between valine and methionine. This variant is present in population databases (rs114986640, ExAC 0.002%). This variant has not been reported in the literature in individuals affected with DYSF-related conditions. ClinVar contains an entry for this variant (Variation ID: 579361). Algorithms developed to predict the effect of missense changes on protein structure and function are either unavailable or do not agree on the potential impact of this missense change (SIFT: "Tolerated"; PolyPhen-2: "Probably Damaging"; Align-GVGD: "Class C0"). In summary, the available evidence is currently insufficient to determine the role of this variant in disease. Therefore, it has been classified as a Variant of Uncertain Significance.

NM_001130987.2(DYSF):c.205G>A (p.Val69Met)

Gene: DYSF (dysferlin; plus strand). Cytogenetic location: 2p13.2.
Variant type: single nucleotide variant.
Coding change: c.205G>A on transcript NM_001130987.2 (MANE Select); coding-DNA position 205, G replaced by A.
Protein change: p.Val69Met; replaces valine 69 with methionine.
Molecular consequence: missense variant.
Genome position (GRCh38, 1-based): chr2:71,481,936, G>A. VCF-style: chr2-71481936-G-A. GRCh37 (hg19) VCF-style: chr2-71709066-G-A.
Other names: c.205G>A, p.Val69Met (NM_001130455.2, NM_001130982.2, NM_001130983.2 and 3 more transcripts); c.202G>A, p.Val68Met (NM_001130976.2, NM_001130977.2, NM_001130978.2 and 4 more transcripts); short protein forms V69M, V68M.
Identifiers: ClinVar variation 579361 (VCV000579361.8), dbSNP rs114986640, ClinGen allele CA1705254.